The following is an entry in ClinVar:

ClinVar aggregate classification (germline): Uncertain significance (1 of 4 stars; one submission).

gnomAD v4.1: 1 of 1,614,122 alleles (0.000062%); no homozygotes.

Submission:

Labcorp Genetics (formerly Invitae), Labcorp
Classification: Uncertain significance. Last evaluated: 2022-04-05. Review status: criteria provided, single submitter. Criteria: Invitae Variant Classification Sherloc (09022015). Collection method: clinical testing. Allele origin: germline.
Comment: Algorithms developed to predict the effect of missense changes on protein structure and function output the following: SIFT: "Deleterious"; PolyPhen-2: "Benign"; Align-GVGD: "Class C35". The arginine amino acid residue is found in multiple mammalian species, which suggests that this missense change does not adversely affect protein function. In summary, the available evidence is currently insufficient to determine the role of this variant in disease. Therefore, it has been classified as a Variant of Uncertain Significance. This variant has not been reported in the literature in individuals affected with NBAS-related conditions. This variant is not present in population databases (gnomAD no frequency). This sequence change replaces glutamine, which is neutral and polar, with arginine, which is basic and polar, at codon 1107 of the NBAS protein (p.Gln1107Arg).

NM_015909.4(NBAS):c.3320A>G (p.Gln1107Arg)

Gene: NBAS (NBAS subunit of NRZ tethering complex; minus strand). Cytogenetic location: 2p24.3.
Variant type: single nucleotide variant.
Coding change: c.3320A>G on transcript NM_015909.4 (MANE Select); coding-DNA position 3320, A replaced by G.
Protein change: p.Gln1107Arg; replaces glutamine 1107 with arginine.
Molecular consequence: missense variant. On other transcripts: non-coding transcript variant (1).
Genome position (GRCh38, 1-based): chr2:15,383,255, T>C on the plus strand (A>G on the coding strand, the complement: NBAS is on the minus strand). VCF-style: chr2-15383255-T-C. GRCh37 (hg19) VCF-style: chr2-15523379-T-C.
Other names: short protein forms Q1107R.
Identifiers: ClinVar variation 1387127 (VCV001387127.4), dbSNP rs1424675594, ClinGen allele CA345897973.